The following is an entry in ClinVar:

ClinVar aggregate classification (germline): Uncertain significance (1 of 4 stars; one submission).

gnomAD v4.1: 1 of 1,614,006 alleles (0.000062%); highest among the groups gnomAD compares: South Asian, 0.0011%; no homozygotes.

Submission:

GeneDx
Classification: Uncertain significance. Last evaluated: 2024-12-20. Review status: criteria provided, single submitter. Criteria: GeneDx Variant Classification Process June 2021. Collection method: clinical testing. Allele origin: germline. Affected: yes.
Comment: Not observed at significant frequency in large population cohorts (gnomAD); In silico analysis supports that this missense variant has a deleterious effect on protein structure/function; Has not been previously published as pathogenic or benign to our knowledge; This substitution is predicted to be within the cytoplasmic loop between the second and third homologous domains

NM_001165963.4(SCN1A):c.3275T>A (p.Val1092Asp)

Genes: SCN1A (sodium voltage-gated channel alpha subunit 1; minus strand), LOC102724058 (uncharacterized LOC102724058; plus strand). Cytogenetic location: 2q24.3.
Variant type: single nucleotide variant.
Coding change: c.3275T>A on transcript NM_001165963.4 (MANE Select); coding-DNA position 3275, T replaced by A.
Protein change: p.Val1092Asp; replaces valine 1092 with aspartic acid.
Molecular consequence: missense variant. On other transcripts: non-coding transcript variant (2).
Genome position (GRCh38, 1-based): chr2:166,036,202, A>T on the plus strand (T>A on the coding strand, the complement: SCN1A is on the minus strand). VCF-style: chr2-166036202-A-T. GRCh37 (hg19) VCF-style: chr2-166892712-A-T.
Other names: c.3191T>A, p.Val1064Asp (NM_001165964.3, NM_001353957.2, NM_001353958.2); c.3275T>A, p.Val1092Asp (NM_001202435.3, NM_001353948.2); c.3242T>A, p.Val1081Asp (NM_001353949.2, NM_001353950.2, NM_001353951.2 and 2 more transcripts); c.3239T>A, p.Val1080Asp (NM_001353954.2, NM_001353955.2); c.3188T>A, p.Val1063Asp (NM_001353960.2); c.833T>A, p.Val278Asp (NM_001353961.2); short protein forms V1063D, V1064D, V1080D, V1081D, V1092D, V278D.
Identifiers: ClinVar variation 3906367 (VCV003906367.1).